The following continues an entry in ClinVar:

NM_004183.4(BEST1):c.602T>C (p.Ile201Thr)

Gene: BEST1. ClinVar aggregate classification (germline): Pathogenic/Likely pathogenic. Pathogenic (7); Likely pathogenic (4).

Submissions 9 to 12 of 12:

Molecular Genetics, Royal Melbourne Hospital
Classification: Pathogenic for Autosomal recessive bestrophinopathy. Last evaluated: 2020-04-23. Review status: criteria provided, single submitter. Criteria: ACMG Guidelines, 2015. Collection method: clinical testing. Allele origin: germline. Affected: yes.
Comment: This sequence change is predicted to replace isoleucine with threonine at codon 201 of the BEST1 protein (p.Ile201Thr). The isoleucine residue is highly conserved (100 vertebrates, UCSC), and is located in the bestrophin (RFP-TM) chloride channel domain. There is a moderate physicochemical difference between isoleucine and threonine. The variant is present in a large population cohort at a frequency of 0.007%, which is consistent with recessive disease (rs199529046, 19/282,720 alleles, 0 homozygotes in gnomAD v2.1 - PM2). The variant has been identified in the homozygous state (with a less severe phenotype) and compound heterozygote with a second pathogenic allele in multiple cases with autosomal recessive bestrophinopathy, and segregates with disease in at least one family (PMID: 21273940, 22422030, 27764019, 29063836 - PM3_Strong, PP1_Moderate). The variant causes reduced calcium-activated chloride channel function in in vitro functional assays (PMID: 17110374, 29063836 - PS3_Supporting). Multiple lines of computational evidence predict a deleterious effect for the missense substitution (7/7 algorithms - PP3). Based on the classification scheme RMH ACMG Guidelines v1.2.1, this variant is classified as PATHOGENIC. Following criteria are met: PM3_Strong, PM2, PP1_Moderate, PS3_Supporting, PP3.

Illumina Laboratory Services, Illumina
Classification: Likely pathogenic for BEST1-Related Disorders. Last evaluated: 2017-04-28. Review status: criteria provided, single submitter. Criteria: ICSL Variant Classification Criteria 09 May 2019. Collection method: clinical testing. Allele origin: germline.
Comment: The BEST1 c.602T>C (p.Ile201Thr) missense variant, also referred to as c.422T>C (p.Ile141Thr), has been reported in four studies in which it is found in a total of eight individuals from six unrelated families (Lotery et al. 2000; Kinnick et al. 2011; Zhao et al. 2012; Wivestad Jansson et al. 2016). Seven of the individuals are compound heterozygotes for the p.Ile201Thr variant, including three unrelated individuals with vitelliform macular dystrophy, three siblings with Best vitelliform macular dystrophy, and one individual with recessive bestrophinopathy. Another patient with Best vitelliform macular dystrophy was heterozygous for the p.Ile201Thr variant. The variant was also detected in a heterozygous state in four unaffected family members. The p.Ile201Thr variant has not been reported in the literature in patients with autosomal recessive retinitis pigmentosa or vitreoretinochoroidopathy. The p.Ile201Thr variant was absent from over 1500 control chromosomes but is reported at a frequency of 0.00010 in the European (non-Finnish) population of the Exome Aggregation Consortium. Comparative protein modeling by Guziewicz et al. (2012) suggests that the p.Ile201Thr variant could induce conformational rearrangements and alter inter-residue interactions. Based on the collective evidence, the p.Ile201Thr variant is classified as likely pathogenic for BEST1-related disorders. This variant was observed by ICSL as part of a predisposition screen in an ostensibly healthy population.

Laboratory for Molecular Medicine, Mass General Brigham Personalized Medicine
Classification: Likely pathogenic for Autosomal recessive bestrophinopathy. Last evaluated: 2016-09-02. Review status: criteria provided, single submitter. Criteria: LMM Criteria. Collection method: clinical testing. Allele origin: germline. Inheritance: Autosomal recessive inheritance. Observed: 2 variant alleles.
Comment: The p.Ile201Thr variant in BEST1 has been reported in the compound heterozygous state in 4 individuals (3 family members and 1 unrelated individual). The 4 pati ents were affected with autosomal recessive bestrophinopathy. None of 3 heterozy gous family members were affected (Zhao 2012; Wivestad Jansson 2016 ). This var iant was also reported in the heterozygous state, in one patient with autosomal dominant Best macular dystrophy; however, insufficient data was present to suppo rt a dominant role or carrier phenotype (Lotery 2000). The p.Ile201Thr variant h as been identified in 7/121,390 of chromosomes by the Exome Aggregation Consorti um (ExAC; dbSNP rs199529046), a frequency low en ough to be consistent with a recessive carrier frequency. Computational analyses suggest that the p.Ile201Thr variant may impact the protein. In summary, additi onal data is needed to confirm the clinical significance of this variant; howeve r based upon the published data, we would classify this variant as likely pathog enic for autosomal recessive bestrophinopathy.

Retina International
No classification provided. Review status: no classification provided. Collection method: not provided. Allele origin: unknown. Not counted in ClinVar's aggregate classification.

Literature cited by the submitters: PubMed 22422030 (cited by 5 submitters); PubMed 26333019 (cited by 4 submitters); PubMed 10798642 (cited by 3 submitters); PubMed 21109774 (cited by Labcorp Genetics (formerly Invitae), Labcorp); PubMed 17110374 (cited by 3 submitters); PubMed 21273940 (cited by 3 submitters); PubMed 29668979 (cited by Victorian Clinical Genetics Services, Murdoch Childrens Research Institute); PubMed 21330666 (cited by Ocular Genomics Institute, Massachusetts Eye and Ear); PubMed 27764019 (cited by Molecular Genetics, Royal Melbourne Hospital); PubMed 29063836 (cited by Molecular Genetics, Royal Melbourne Hospital); PubMed 22183385 (cited by Illumina Laboratory Services, Illumina).